The following is an entry in ClinVar:

ClinVar aggregate classification (germline): Uncertain significance (1 of 4 stars; one submission).

gnomAD v4.1: 1 of 1,614,208 alleles (0.000062%); highest among the groups gnomAD compares: Non-Finnish European, 0.000085%; no homozygotes.

Submission:

Labcorp Genetics (formerly Invitae), Labcorp
Classification: Uncertain significance. Last evaluated: 2024-08-28. Review status: criteria provided, single submitter. Criteria: Invitae Variant Classification Sherloc (09022015). Collection method: clinical testing. Allele origin: germline.
Comment: This sequence change replaces leucine, which is neutral and non-polar, with phenylalanine, which is neutral and non-polar, at codon 131 of the CTNNA1 protein (p.Leu131Phe). This variant is not present in population databases (gnomAD no frequency). This variant has not been reported in the literature in individuals affected with CTNNA1-related conditions. Invitae Evidence Modeling of protein sequence and biophysical properties (such as structural, functional, and spatial information, amino acid conservation, physicochemical variation, residue mobility, and thermodynamic stability) indicates that this missense variant is not expected to disrupt CTNNA1 protein function with a negative predictive value of 80%. In summary, the available evidence is currently insufficient to determine the role of this variant in disease. Therefore, it has been classified as a Variant of Uncertain Significance.

NM_001903.5(CTNNA1):c.393G>C (p.Leu131Phe)

Gene: CTNNA1 (catenin alpha 1; plus strand). Cytogenetic location: 5q31.2.
Variant type: single nucleotide variant.
Coding change: c.393G>C on transcript NM_001903.5 (MANE Select); coding-DNA position 393, G replaced by C.
Protein change: p.Leu131Phe; replaces leucine 131 with phenylalanine.
Molecular consequence: missense variant.
Genome position (GRCh38, 1-based): chr5:138,810,129, G>C. VCF-style: chr5-138810129-G-C. GRCh37 (hg19) VCF-style: chr5-138145818-G-C.
Other names: c.393G>C, p.Leu131Phe (NM_001290307.3, NM_001323982.2, NM_001323983.1 and 3 more transcripts); c.84G>C, p.Leu28Phe (NM_001290309.3); c.24G>C, p.Leu8Phe (NM_001290310.3); short protein forms L28F, L8F, L131F.
Identifiers: ClinVar variation 3663666 (VCV003663666.2).